The following is an entry in ClinVar:

NM_022168.4(IFIH1):c.775G>C (p.Asp259His)

Gene: IFIH1 (interferon induced with helicase C domain 1; minus strand). Cytogenetic location: 2q24.2.
Variant type: single nucleotide variant.
Coding change: c.775G>C on transcript NM_022168.4 (MANE Select); coding-DNA position 775, G replaced by C.
Protein change: p.Asp259His; replaces aspartic acid 259 with histidine.
Molecular consequence: missense variant.
Genome position (GRCh38, 1-based): chr2:162,293,663, C>G on the plus strand (G>C on the coding strand, the complement: IFIH1 is on the minus strand). VCF-style: chr2-162293663-C-G. GRCh37 (hg19) VCF-style: chr2-163150173-C-G.
Other names: short protein forms D259H.
Identifiers: ClinVar variation 2442490 (VCV002442490.4), dbSNP rs1683038041, ClinGen allele CA349006219.
Genomic context (GRCh38, chr2:162,293,663, plus strand): 5'-TGCTGTTATGTCCAAGACTTTCATCTAAGCAGCTGACACTTCCTTCTGCCAAACTTGTGT[C>G]TGATTCTGCAAAGGAAAACATTTTAAAATATTTTTAAAATATTTCTGAGAATAAACGTAT-3'
Protein context (NP_071451.2, residues 249-269): FADSSVVSES[Asp259His]TSLAEGSVSC

ClinVar aggregate classification (germline): Uncertain significance. Review status: criteria provided, multiple submitters, no conflicts (2 of 4 stars). 2 submissions from 2 submitters: Uncertain significance (2). Last evaluated 2024-05-23.

Conditions:
Aicardi-Goutieres syndrome 7 (AGS7). Identifiers: Orphanet 51, MedGen C3888244, MONDO:0014367, OMIM 615846.
Singleton-Merten syndrome 1 (SGMRT1). Also called: Widened medullary cavities of bone, aortic calcification, abnormal dentition, and muscular weakness; Syndrome of widened medullary cavities of the metacarpals and phalanges, aortic calcification and abnormal dentition. Identifiers: Orphanet 85191, MedGen C4225427, MONDO:0024535, OMIM 182250.

Allele frequency attached by ClinVar (database versions not stated): gnomAD exomes below 0.00001.
gnomAD v4.1: 4 of 1,603,804 alleles (0.00025%); highest among the groups gnomAD compares: Non-Finnish European, 0.00034%; no homozygotes.

Submissions (2):

Labcorp Genetics (formerly Invitae), Labcorp
Classification: Uncertain significance for Aicardi-Goutieres syndrome 7; Singleton-Merten syndrome 1. Last evaluated: 2024-05-23. Review status: criteria provided, single submitter. Criteria: Invitae Variant Classification Sherloc (09022015). Collection method: clinical testing. Allele origin: germline.
Comment: This sequence change replaces aspartic acid, which is acidic and polar, with histidine, which is basic and polar, at codon 259 of the IFIH1 protein (p.Asp259His). This variant is not present in population databases (gnomAD no frequency). This variant has not been reported in the literature in individuals affected with IFIH1-related conditions. ClinVar contains an entry for this variant (Variation ID: 2442490). Advanced modeling of protein sequence and biophysical properties (such as structural, functional, and spatial information, amino acid conservation, physicochemical variation, residue mobility, and thermodynamic stability) has been performed at Invitae for this missense variant, however the output from this modeling did not meet the statistical confidence thresholds required to predict the impact of this variant on IFIH1 protein function. In summary, the available evidence is currently insufficient to determine the role of this variant in disease. Therefore, it has been classified as a Variant of Uncertain Significance.

GeneDx
Classification: Uncertain significance. Last evaluated: 2022-08-30. Review status: criteria provided, single submitter. Criteria: GeneDx Variant Classification Process June 2021. Collection method: clinical testing. Allele origin: germline. Affected: yes.
Comment: Not observed at significant frequency in large population cohorts (gnomAD); In silico analysis supports that this missense variant does not alter protein structure/function; Has not been previously published as pathogenic or benign to our knowledge